The following continues an entry in ClinVar:

NM_022787.4(NMNAT1):c.769G>A (p.Glu257Lys)

Gene: NMNAT1. ClinVar aggregate classification (germline): Pathogenic/Likely pathogenic. Pathogenic (21); Likely pathogenic (3).

Submissions 27 to 30 of 30:

OMIM
Classification: Pathogenic for LEBER CONGENITAL AMAUROSIS 9. Last evaluated: 2012-09-01. Review status: no assertion criteria provided. Collection method: literature only. Allele origin: germline. Not counted in ClinVar's aggregate classification.

GeneReviews
No classification provided. Condition: Leber congenital amaurosis 9. Review status: no classification provided. Collection method: literature only. Allele origin: unknown. Not counted in ClinVar's aggregate classification.

Laboratory of Genetics in Ophthalmology, Institut Imagine
Classification: Pathogenic for Leber congenital amaurosis 9. Review status: no assertion criteria provided. Collection method: research. Allele origin: inherited. Affected: yes. Observed: 32 variant alleles. Not counted in ClinVar's aggregate classification.

NIHR Bioresource Rare Diseases, University of Cambridge
Classification: Likely pathogenic for Retinal dystrophy; Nystagmus; Severely reduced visual acuity; Global developmental delay; Diarrhea; Developmental regression; Gastrointestinal dysmotility. Review status: no assertion criteria provided. Collection method: research. Allele origin: unknown. Affected: yes. Observed: 1 variant allele. Not counted in ClinVar's aggregate classification.

Literature cited by the submitters: PubMed 34588515 (cited by Victorian Clinical Genetics Services, Murdoch Childrens Research Institute); PubMed 22842229 (cited by 9 submitters); PubMed 38892339 (cited by Victorian Clinical Genetics Services, Murdoch Childrens Research Institute); PubMed 26018082 (cited by 6 submitters); PubMed 22842227 (cited by 6 submitters); PubMed 22842230 (cited by 8 submitters); PubMed 22842231 (cited by 11 submitters); PubMed 23040504 (cited by Dasa and Labcorp Genetics (formerly Invitae), Labcorp); PubMed 24625443 (cited by Dasa and Labcorp Genetics (formerly Invitae), Labcorp); PubMed 24940029 (cited by 3 submitters); PubMed 26103963 (cited by Dasa and Labcorp Genetics (formerly Invitae), Labcorp); PubMed 27032803 (cited by 3 submitters); PubMed 29674119 (cited by Variantyx, Inc. and Institute of Human Genetics, Univ. Regensburg, Univ. Regensburg); PubMed 30004997 (cited by 3 submitters); PubMed 24830548 (cited by Institute of Human Genetics, Univ. Regensburg, Univ. Regensburg and Laboratory for Molecular Medicine, Mass General Brigham Personalized Medicine); PubMed 28224992 (cited by Institute of Human Genetics, Univ. Regensburg, Univ. Regensburg); PubMed 28559085 (cited by Institute of Human Genetics, Univ. Regensburg, Univ. Regensburg); PubMed 29178642 (cited by Institute of Human Genetics, Univ. Regensburg, Univ. Regensburg); PubMed 29184169 (cited by Institute of Human Genetics, Univ. Regensburg, Univ. Regensburg and OMIM); PubMed 30576320 (cited by Institute of Human Genetics, Univ. Regensburg, Univ. Regensburg); PubMed 31589614 (cited by Institute of Human Genetics, Univ. Regensburg, Univ. Regensburg); PubMed 30609409 (cited by Institute of Human Genetics, Univ. Regensburg, Univ. Regensburg); PubMed 32150116 (cited by Institute of Human Genetics, Univ. Regensburg, Univ. Regensburg and OMIM); PubMed 31964843 (cited by Institute of Human Genetics, Univ. Regensburg, Univ. Regensburg); PubMed 31429209 (cited by Institute of Human Genetics, Univ. Regensburg, Univ. Regensburg); PubMed 31980526 (cited by Institute of Human Genetics, Univ. Regensburg, Univ. Regensburg); PubMed 32507954 (cited by Institute of Human Genetics, Univ. Regensburg, Univ. Regensburg); PubMed 32865313 (cited by Institute of Human Genetics, Univ. Regensburg, Univ. Regensburg); PubMed 31456290 (cited by Institute of Human Genetics, Univ. Regensburg, Univ. Regensburg); PubMed 32581362 (cited by Institute of Human Genetics, Univ. Regensburg, Univ. Regensburg and NIHR Bioresource Rare Diseases, University of Cambridge); PubMed 32531858 (cited by Institute of Human Genetics, Univ. Regensburg, Univ. Regensburg); PubMed 32037395 (cited by Institute of Human Genetics, Univ. Regensburg, Univ. Regensburg); PubMed 34426522 (cited by Institute of Human Genetics, Univ. Regensburg, Univ. Regensburg); PubMed 33749171 (cited by Institute of Human Genetics, Univ. Regensburg, Univ. Regensburg); PubMed 36460718 (cited by Institute of Human Genetics, Univ. Regensburg, Univ. Regensburg); PubMed 36369640 (cited by Institute of Human Genetics, Univ. Regensburg, Univ. Regensburg); PubMed 36672815 (cited by Institute of Human Genetics, Univ. Regensburg, Univ. Regensburg); PubMed 36819107 (cited by Institute of Human Genetics, Univ. Regensburg, Univ. Regensburg); PubMed 42120987 (cited by Genetics Research Center, University of Social Welfare and Rehabilitation Sciences); PubMed 28041643 (cited by NIHR Bioresource Rare Diseases, University of Cambridge); PubMed 32533184 (cited by OMIM); PubMed 20301475 (cited by GeneReviews); NCBI Bookshelf NBK1298 (cited by GeneReviews).